The following is an entry in ClinVar:

ClinVar aggregate classification (germline): Conflicting classifications of pathogenicity. Review status: criteria provided, conflicting classifications (1 of 4 stars). 2 submissions from 2 submitters: Uncertain significance (1); Likely benign (1). Last evaluated 2026-01-12.

Conditions:
Inborn genetic diseases. Identifiers: MedGen C0950123, MeSH D030342.

Allele frequency attached by ClinVar (database versions not stated): ExAC 0.00009.
gnomAD v4.1: 112 of 1,556,130 alleles (0.0072%); highest among the groups gnomAD compares: Admixed American, 0.011%; 2 homozygotes.

Submissions (2):

Labcorp Genetics (formerly Invitae), Labcorp
Classification: Uncertain significance. Last evaluated: 2026-01-12. Review status: criteria provided, single submitter. Criteria: Invitae Variant Classification Sherloc (09022015). Collection method: clinical testing. Allele origin: germline.
Comment: This sequence change replaces glycine, which is neutral and non-polar, with alanine, which is neutral and non-polar, at codon 526 of the DLL1 protein (p.Gly526Ala). This variant is present in population databases (rs756697215, gnomAD 0.02%). This variant has not been reported in the literature in individuals affected with DLL1-related conditions. ClinVar contains an entry for this variant (Variation ID: 2084681). An algorithm developed to predict the effect of missense changes on protein structure and function (PolyPhen-2) suggests that this variant is likely to be tolerated. In summary, the available evidence is currently insufficient to determine the role of this variant in disease. Therefore, it has been classified as a Variant of Uncertain Significance.

Ambry Genetics
Classification: Likely benign for Inborn genetic diseases. Last evaluated: 2024-08-14. Review status: criteria provided, single submitter. Criteria: Ambry Variant Classification Scheme 2023. Collection method: clinical testing. Allele origin: germline.

NM_005618.4(DLL1):c.1577G>C (p.Gly526Ala)

Gene: DLL1 (delta like canonical Notch ligand 1; minus strand). Cytogenetic location: 6q27.
Variant type: single nucleotide variant.
Coding change: c.1577G>C on transcript NM_005618.4 (MANE Select); coding-DNA position 1577, G replaced by C.
Protein change: p.Gly526Ala; replaces glycine 526 with alanine.
Molecular consequence: missense variant.
Genome position (GRCh38, 1-based): chr6:170,283,702, C>G on the plus strand (G>C on the coding strand, the complement: DLL1 is on the minus strand). VCF-style: chr6-170283702-C-G. GRCh37 (hg19) VCF-style: chr6-170592790-C-G.
Other names: c.1577G>C (NM_005618.3); short protein forms G526A.
Identifiers: ClinVar variation 2084681 (VCV002084681.5), dbSNP rs756697215, ClinGen allele CA4106787.
Genomic context (GRCh38, chr6:170,283,702, plus strand): 5'-ACCCAGGGGAATGGCCCGCCCTGGCCCTCTAGCTTCTCAGTGAGGTCCACCACCGCTGGG[C>G]CCGGGGGCAGCTCGGGGAGCAGGAACTGGCAGTTGGGACCCCCGTAGCCTCGGGCACACT-3'
Protein context (NP_005609.3, residues 516-536): CQFLLPELPP[Gly526Ala]PAVVDLTEKL